The following is an entry in ClinVar:

ClinVar aggregate classification (germline): Uncertain significance (1 of 4 stars; one submission).

Conditions:
Charcot-Marie-Tooth disease type 2. Also called: Charcot-Marie-Tooth type 2. Identifiers: Orphanet 64746, MedGen C0270914, MONDO:0018993.

Submission:

Labcorp Genetics (formerly Invitae), Labcorp
Classification: Uncertain significance for Charcot-Marie-Tooth disease type 2. Last evaluated: 2022-06-10. Review status: criteria provided, single submitter. Criteria: Invitae Variant Classification Sherloc (09022015). Collection method: clinical testing. Allele origin: germline.
Comment: In summary, the available evidence is currently insufficient to determine the role of this variant in disease. Therefore, it has been classified as a Variant of Uncertain Significance. Algorithms developed to predict the effect of missense changes on protein structure and function are either unavailable or do not agree on the potential impact of this missense change (SIFT: "Deleterious"; PolyPhen-2: "Benign"; Align-GVGD: "Class C35"). This variant has not been reported in the literature in individuals affected with LMNA-related conditions. This variant is not present in population databases (gnomAD no frequency). This sequence change replaces arginine, which is basic and polar, with leucine, which is neutral and non-polar, at codon 240 of the LMNA protein (p.Arg240Leu).

NM_170707.4(LMNA):c.719G>T (p.Arg240Leu)

Gene: LMNA (lamin A/C; plus strand). Cytogenetic location: 1q22.
Variant type: single nucleotide variant.
Coding change: c.719G>T on transcript NM_170707.4 (MANE Select); coding-DNA position 719, G replaced by T.
Protein change: p.Arg240Leu; replaces arginine 240 with leucine.
Molecular consequence: missense variant.
Genome position (GRCh38, 1-based): chr1:156,134,884, G>T. VCF-style: chr1-156134884-G-T. GRCh37 (hg19) VCF-style: chr1-156104675-G-T.
Other names: c.383G>T, p.Arg128Leu (NM_001257374.3, NM_001406989.1, NM_001406998.1); c.476G>T, p.Arg159Leu (NM_001282624.2, NM_001406986.1, NM_001406987.1); c.719G>T, p.Arg240Leu (NM_001282625.2, NM_001282626.2, NM_001406983.1 and 6 more transcripts); c.422G>T, p.Arg141Leu (NM_001406988.1); c.161G>T, p.Arg54Leu (NM_001406990.1, NM_001406993.1, NM_001406995.1 and 4 more transcripts); c.55G>T, p.Gly19Cys (NM_001406994.1, NM_001406999.1, NM_001407000.1 and 1 more transcripts); short protein forms R128L, R159L, R240L, G19C, R141L, R54L.
Identifiers: ClinVar variation 2004184 (VCV002004184.4), dbSNP rs1651403033, ClinGen allele CA342817265.